The following is an entry in ClinVar:

ClinVar aggregate classification (germline): Likely benign (1 of 4 stars; one submission).

Allele frequency attached by ClinVar (database versions not stated): ESP Exome Variant Server 0.00008; gnomAD exomes 0.00008 and 0.00010; ExAC 0.00010; gnomAD 0.00012; TOPMed 0.00020.
gnomAD v4.1: 167 of 1,613,926 alleles (0.01%); highest among the groups gnomAD compares: Admixed American, 0.015%; 1 homozygote.

Submission:

Laboratory for Molecular Medicine, Mass General Brigham Personalized Medicine
Classification: Likely benign. Last evaluated: 2014-05-22. Review status: criteria provided, single submitter. Criteria: LMM Criteria. Collection method: clinical testing. Allele origin: germline. Observed: 1 variant allele.
Comment: Cys209Tyr in exon 4 of GIPC3: This variant is not expected to have clinical sign ificance due to a lack of conservation across species, including mammals. Of no te, at least 5 mammals have a tyrosine (Tyr) at this position despite high nearb y amino acid conservation. While this variant has previously been reported in on e individual with hearing loss, this individual was found to have a homozygous f rameshift variant in the USH1C gene which was a likely explanation of the hearin g loss (Shearer 2013). In addition, this variant has also been identified in 1/8 600 of European American chromosomes by the NHLBI Exome Sequencing Project (dbSNP rs374129877).

Literature cited by the submitters: PubMed 23804846.

NM_133261.3(GIPC3):c.626G>A (p.Cys209Tyr)

Gene: GIPC3 (GIPC PDZ domain containing family member 3; plus strand). Cytogenetic location: 19p13.3.
Variant type: single nucleotide variant.
Coding change: c.626G>A on transcript NM_133261.3 (MANE Select); coding-DNA position 626, G replaced by A.
Protein change: p.Cys209Tyr; replaces cysteine 209 with tyrosine.
Molecular consequence: missense variant.
Genome position (GRCh38, 1-based): chr19:3,589,476, G>A. VCF-style: chr19-3589476-G-A. GRCh37 (hg19) VCF-style: chr19-3589474-G-A.
Other names: short protein forms C209Y.
Identifiers: ClinVar variation 163508 (VCV000163508.4), dbSNP rs374129877, ClinGen allele CA176151.